The following is an entry in ClinVar:

NM_014339.7(IL17RA):c.2290G>T (p.Ala764Ser)

Gene: IL17RA (interleukin 17 receptor A; plus strand). Cytogenetic location: 22q11.1.
Variant type: single nucleotide variant.
Coding change: c.2290G>T on transcript NM_014339.7 (MANE Select); coding-DNA position 2290, G replaced by T.
Protein change: p.Ala764Ser; replaces alanine 764 with serine.
Molecular consequence: missense variant.
Genome position (GRCh38, 1-based): chr22:17,109,509, G>T. VCF-style: chr22-17109509-G-T. GRCh37 (hg19) VCF-style: chr22-17590399-G-T.
Other names: c.2188G>T, p.Ala730Ser (NM_001289905.2); short protein forms A730S, A764S.
Identifiers: ClinVar variation 4720982 (VCV004720982.1).

ClinVar aggregate classification (germline): Uncertain significance (1 of 4 stars; one submission).

Conditions:
Immunodeficiency 51 (IMD51). Also called: CANDIDIASIS, FAMILIAL, 5. Identifiers: Orphanet 1334, MedGen C4310803, MONDO:0013500, OMIM 613953.

Submission:

Labcorp Genetics (formerly Invitae), Labcorp
Classification: Uncertain significance for Immunodeficiency 51. Last evaluated: 2025-06-17. Review status: criteria provided, single submitter. Criteria: Invitae Variant Classification Sherloc (09022015). Collection method: clinical testing. Allele origin: germline.
Comment: This sequence change replaces alanine, which is neutral and non-polar, with serine, which is neutral and polar, at codon 764 of the IL17RA protein (p.Ala764Ser). This variant is not present in population databases (gnomAD no frequency). This variant has not been reported in the literature in individuals affected with IL17RA-related conditions. An algorithm developed to predict the effect of missense changes on protein structure and function (PolyPhen-2) suggests that this variant is likely to be tolerated. In summary, the available evidence is currently insufficient to determine the role of this variant in disease. Therefore, it has been classified as a Variant of Uncertain Significance.